The following is an entry in ClinVar:

NM_001040142.2(SCN2A):c.5882A>G (p.Glu1961Gly)

Gene: SCN2A (sodium voltage-gated channel alpha subunit 2; plus strand). Cytogenetic location: 2q24.3.
Variant type: single nucleotide variant.
Coding change: c.5882A>G on transcript NM_001040142.2 (MANE Select); coding-DNA position 5882, A replaced by G.
Protein change: p.Glu1961Gly; replaces glutamic acid 1961 with glycine.
Molecular consequence: missense variant.
Genome position (GRCh38, 1-based): chr2:165,389,688, A>G. VCF-style: chr2-165389688-A-G. GRCh37 (hg19) VCF-style: chr2-166246198-A-G.
Other names: c.5882A>G, p.Glu1961Gly (NM_001040143.2, NM_001371246.1, NM_001371247.1 and 1 more transcripts); c.5882A>G (NM_021007.2); short protein forms E1961G.
Identifiers: ClinVar variation 2651493 (VCV002651493.25), dbSNP rs1702052118, ClinGen allele CA349040752.

ClinVar aggregate classification (germline): Uncertain significance. Review status: criteria provided, multiple submitters, no conflicts (2 of 4 stars). 2 submissions from 2 submitters: Uncertain significance (2). Last evaluated 2026-06-28.

Conditions:
SCN2A-related disorder. Also called: SCN2A-related condition; SCN2A-related disorders. Identifiers: MedGen CN382226, MONDO:1060245.

Allele frequency attached by ClinVar (database versions not stated): gnomAD exomes below 0.00001; TOPMed below 0.00001; gnomAD 0.00001.
gnomAD v4.1: 3 of 1,613,902 alleles (0.00019%); highest among the groups gnomAD compares: Non-Finnish European, 0.00025%; no homozygotes.

Submissions (2):

PreventionGenetics, part of Exact Sciences
Classification: Uncertain significance for SCN2A-related condition. Last evaluated: 2026-06-28. Review status: criteria provided, single submitter. Criteria: ACMG Guidelines, 2015. Collection method: clinical testing. Allele origin: germline.
Comment: The SCN2A c.5882A>G variant is predicted to result in the amino acid substitution p.Glu1961Gly. To our knowledge, this variant has not been reported in the literature or in a large population database (gnomAD), indicating this variant is rare. At this time, the clinical significance of this variant is uncertain due to the absence of conclusive functional and genetic evidence.

CeGaT Center for Human Genetics Tuebingen
Classification: Uncertain significance. Last evaluated: 2022-07-01. Review status: criteria provided, single submitter. Criteria: CeGaT Center For Human Genetics Tuebingen Variant Classification Criteria Version 2. Collection method: clinical testing. Allele origin: germline. Affected: yes. Observed: 1 variant allele.
Comment: SCN2A: PM2, PP2